The following is an entry in ClinVar:

ClinVar aggregate classification (germline): Uncertain significance (1 of 4 stars; one submission).

Submission:

Labcorp Genetics (formerly Invitae), Labcorp
Classification: Uncertain significance. Last evaluated: 2023-03-04. Review status: criteria provided, single submitter. Criteria: Invitae Variant Classification Sherloc (09022015). Collection method: clinical testing. Allele origin: germline.
Comment: This sequence change replaces tyrosine, which is neutral and polar, with asparagine, which is neutral and polar, at codon 90 of the KCNH1 protein (p.Tyr90Asn). This variant is not present in population databases (gnomAD no frequency). This variant has not been reported in the literature in individuals affected with KCNH1-related conditions. Advanced modeling of protein sequence and biophysical properties (such as structural, functional, and spatial information, amino acid conservation, physicochemical variation, residue mobility, and thermodynamic stability) performed at Invitae indicates that this missense variant is expected to disrupt KCNH1 protein function. In summary, the available evidence is currently insufficient to determine the role of this variant in disease. Therefore, it has been classified as a Variant of Uncertain Significance.

NM_172362.3(KCNH1):c.268T>A (p.Tyr90Asn)

Gene: KCNH1 (potassium voltage-gated channel subfamily H member 1; minus strand). Cytogenetic location: 1q32.2.
Variant type: single nucleotide variant.
Coding change: c.268T>A on transcript NM_172362.3 (MANE Select); coding-DNA position 268, T replaced by A.
Protein change: p.Tyr90Asn; replaces tyrosine 90 with asparagine.
Molecular consequence: missense variant.
Genome position (GRCh38, 1-based): chr1:211,103,538, A>T on the plus strand (T>A on the coding strand, the complement: KCNH1 is on the minus strand). VCF-style: chr1-211103538-A-T. GRCh37 (hg19) VCF-style: chr1-211276880-A-T.
Other names: c.268T>A, p.Tyr90Asn (NM_002238.4); short protein forms Y90N.
Identifiers: ClinVar variation 2842955 (VCV002842955.3), dbSNP rs2526835474, ClinGen allele CA344873637.
Genomic context (GRCh38, chr1:211,103,538, plus strand): 5'-AATGGTCTCAATACTCACTGTTCTTCTTGTACATCAGAATTTCAAAGGAATTCATCTCAT[A>T]GTTCTCAAATGTTTGCCGCACTTTTTCAATCGTGTCTTTATCAGTCAGCTCCCCATACAT-3'
Protein context (NP_758872.1, residues 80-100): IEKVRQTFEN[Tyr90Asn]EMNSFEILMY